The following is an entry in ClinVar:

ClinVar aggregate classification (germline): Pathogenic (1 of 4 stars; one submission).

Submission:

Mayo Clinic Laboratories, Mayo Clinic
Classification: Pathogenic. Last evaluated: 2019-06-06. Review status: criteria provided, single submitter. Criteria: ACMG Guidelines, 2015. Collection method: clinical testing. Allele origin: germline. Observed: 2 variant alleles.
Comment: An out-of-frame deletion involving exon 45 of the DMD gene.

Literature cited by the submitters: PubMed 18663755; PubMed 31727011.

Single allele

Gene: DMD (dystrophin; minus strand). Cytogenetic location: Xp21.1.
Variant type: Deletion.
Identifiers: ClinVar variation 1120174 (VCV001120174.5).